The following is an entry in ClinVar:

ClinVar aggregate classification (germline): Pathogenic. Review status: criteria provided, multiple submitters, no conflicts (2 of 4 stars). 2 submissions from 2 submitters: Pathogenic (2). Last evaluated 2025-05-23.

Conditions:
Osteogenesis imperfecta type III (OI3). Also called: Osteogenesis imperfecta type 3; OI type 3; Osteogenesis imperfecta, progressively deforming with normal sclerae; OI type III; Progressively Deforming Osteogenesis Imperfecta. Identifiers: Orphanet 216812, Orphanet 666, MedGen C0268362, MONDO:0009804, OMIM 259420.

Submissions (2):

Clinical Biomedical Laboratory, Shriners Hospital For Children - Canada
Classification: Pathogenic for Osteogenesis imperfecta type III. Last evaluated: 2025-05-23. Review status: criteria provided, single submitter. Criteria: ACMG Guidelines, 2015. Collection method: clinical testing. Allele origin: germline. Affected: yes.
Comment: This variant is predicted to substitute a glycine residue by a valine residue in the alpha 2 chain of collagen type I. Glycine substitutions in the triple helical domain of collagen type I cause disruption in the formation of the triple helix in the collagen molecule and are a typical cause of osteogenesis imperfecta. A missense variant affecting the same amino acid (c.761G>A, p.Gly254Glu) has been reported in Clinvar (Variation ID: 546096) as pathogenic from 1 submitter and is reported in the literature (PMID 11286507) as a cause of osteogenesis imperfecta. The variant is absent from the Genome Aggregation Database (v.2.1.1), indicating it is not a common polymorphism. Computational tools: (Revel 0.99) suggest that the change is detrimental to protein function.

GeneDx
Classification: Pathogenic. Last evaluated: 2024-05-31. Review status: criteria provided, single submitter. Criteria: GeneDx Variant Classification Process June 2021. Collection method: clinical testing. Allele origin: germline. Affected: yes.
Comment: Variant occurs in the triple helical domain and replaces a Glycine in the canonical Gly-X-Y repeat. Variants in these Glycines result in poor winding of the collagen triple helix and a less functional protein; Has not been previously published as pathogenic or benign to our knowledge; Not observed at significant frequency in large population cohorts (gnomAD); In silico analysis supports that this missense variant has a deleterious effect on protein structure/function

Literature cited by the submitters: PubMed 11286507 (cited by Clinical Biomedical Laboratory, Shriners Hospital For Children - Canada).

NM_000088.4(COL1A1):c.761G>T (p.Gly254Val)

Genes: COL1A1 (collagen type I alpha 1 chain; minus strand), LOC126862586 (CDK7 strongly-dependent group 2 enhancer GRCh37_chr17:48273702-48274901; plus strand). Cytogenetic location: 17q21.33.
Variant type: single nucleotide variant.
Coding change: c.761G>T on transcript NM_000088.4 (MANE Select); coding-DNA position 761, G replaced by T.
Protein change: p.Gly254Val; replaces glycine 254 with valine.
Molecular consequence: missense variant.
Genome position (GRCh38, 1-based): chr17:50,197,053, C>A on the plus strand (G>T on the coding strand, the complement: COL1A1 is on the minus strand). VCF-style: chr17-50197053-C-A. GRCh37 (hg19) VCF-style: chr17-48274414-C-A.
Other names: short protein forms G254V.
Identifiers: ClinVar variation 3253125 (VCV003253125.2), dbSNP rs72645320.